The following is an entry in ClinVar:

NM_002225.5(IVD):c.1025A>G (p.Asn342Ser)

Gene: IVD (isovaleryl-CoA dehydrogenase; plus strand). Cytogenetic location: 15q15.1.
Variant type: single nucleotide variant.
Coding change: c.1025A>G on transcript NM_002225.5 (MANE Select); coding-DNA position 1025, A replaced by G.
Protein change: p.Asn342Ser; replaces asparagine 342 with serine.
Molecular consequence: missense variant. On other transcripts: non-coding transcript variant (1).
Genome position (GRCh38, 1-based): chr15:40,416,142, A>G. VCF-style: chr15-40416142-A-G. GRCh37 (hg19) VCF-style: chr15-40708341-A-G.
Other names: c.935A>G, p.Asn312Ser (NM_001159508.3); c.977A>G, p.Asn326Ser (NM_001354597.3); c.1025A>G, p.Asn342Ser (NM_001354598.3, NM_001354601.3); c.1112A>G, p.Asn371Ser (NM_001354599.3, NM_001354600.3); short protein forms N342S, N371S, N326S, N312S.
Identifiers: ClinVar variation 2896198 (VCV002896198.3), dbSNP rs766453485, ClinGen allele CA7480840.

ClinVar aggregate classification (germline): Uncertain significance (1 of 4 stars; one submission).

Conditions:
Isovaleryl-CoA dehydrogenase deficiency (IVA). Also called: ISOVALERIC ACID CoA DEHYDROGENASE DEFICIENCY; Isovaleric acidemia; IVD DEFICIENCY; Classic Isovaleric Acidemia. Identifiers: Orphanet 33, MedGen C0268575, MONDO:0009475, OMIM 243500.

Allele frequency attached by ClinVar (database versions not stated): ExAC 0.00001; gnomAD exomes 0.00001; TOPMed 0.00001.
gnomAD v4.1: 12 of 1,614,260 alleles (0.00074%); highest among the groups gnomAD compares: Non-Finnish European, 0.001%; no homozygotes.

Submission:

Labcorp Genetics (formerly Invitae), Labcorp
Classification: Uncertain significance for Isovaleryl-CoA dehydrogenase deficiency. Last evaluated: 2023-10-17. Review status: criteria provided, single submitter. Criteria: Invitae Variant Classification Sherloc (09022015). Collection method: clinical testing. Allele origin: germline.
Comment: This sequence change replaces asparagine, which is neutral and polar, with serine, which is neutral and polar, at codon 345 of the IVD protein (p.Asn345Ser). This variant is present in population databases (rs766453485, gnomAD 0.0009%). This variant has not been reported in the literature in individuals affected with IVD-related conditions. An algorithm developed to predict the effect of missense changes on protein structure and function (PolyPhen-2) suggests that this variant is likely to be tolerated. In summary, the available evidence is currently insufficient to determine the role of this variant in disease. Therefore, it has been classified as a Variant of Uncertain Significance.